The following is an entry in ClinVar:

ClinVar aggregate classification (germline): Uncertain significance (1 of 4 stars; one submission).

Conditions:
Neuronal ceroid lipofuscinosis. Also called: Neuronal Ceroid Lipofuscinoses. Identifiers: Orphanet 216, Orphanet 79263, MedGen C0027877, MONDO:0016295. Disease mechanism: loss of function.

Submission:

Labcorp Genetics (formerly Invitae), Labcorp
Classification: Uncertain significance for Neuronal ceroid lipofuscinosis. Last evaluated: 2022-06-19. Review status: criteria provided, single submitter. Criteria: Invitae Variant Classification Sherloc (09022015). Collection method: clinical testing. Allele origin: germline.
Comment: In summary, the available evidence is currently insufficient to determine the role of this variant in disease. Therefore, it has been classified as a Variant of Uncertain Significance. Algorithms developed to predict the effect of missense changes on protein structure and function are either unavailable or do not agree on the potential impact of this missense change (SIFT: "Deleterious"; PolyPhen-2: "Benign"; Align-GVGD: "Class C0"). This variant has not been reported in the literature in individuals affected with CLN5-related conditions. This variant is not present in population databases (gnomAD no frequency). This sequence change replaces serine, which is neutral and polar, with threonine, which is neutral and polar, at codon 11 of the CLN5 protein (p.Ser11Thr).

NC_000013.11:g.76991982T>A

Gene: CLN5 (CLN5 lysosomal BMP synthase; plus strand). Cytogenetic location: 13q22.3.
Variant type: single nucleotide variant.
Molecular consequence: missense variant (on NM_006493.2).
Genome position: GRCh38 VCF-style: chr13-76991982-T-A. GRCh37 (hg19) VCF-style: chr13-77566117-T-A.
Other names: c.31T>A, p.Ser11Thr (NM_006493.2); short protein forms S11T.
Identifiers: ClinVar variation 2008395 (VCV002008395.4), dbSNP rs755587208, ClinGen allele CA388305668.
Genomic context (GRCh38, chr13:76,991,982, plus strand): 5'-GCCGCCGCGGGCCGGGCGCGGGGAGGTGTCATGCGCCGGAACCTGCGCTTGGGGCCAAGC[T>A]CTGGAGCTGACGCGCAGGGGCAAGGCGCCCCGCGTCCCGGACTGGCGGCTCCGCGCATGC-3'